The following is an entry in ClinVar:

NM_000478.6(ALPL):c.1327G>T (p.Ala443Ser)

Gene: ALPL (alkaline phosphatase, biomineralization associated; plus strand). Cytogenetic location: 1p36.12.
Variant type: single nucleotide variant.
Coding change: c.1327G>T on transcript NM_000478.6 (MANE Select); coding-DNA position 1327, G replaced by T.
Protein change: p.Ala443Ser; replaces alanine 443 with serine.
Molecular consequence: missense variant.
Genome position (GRCh38, 1-based): chr1:21,577,400, G>T. VCF-style: chr1-21577400-G-T. GRCh37 (hg19) VCF-style: chr1-21903893-G-T.
Other names: c.1327G>T (NM_000478.5); c.1162G>T, p.Ala388Ser (NM_001127501.4); c.1096G>T, p.Ala366Ser (NM_001177520.3); c.1327G>T, p.Ala443Ser (NM_001369803.2, NM_001369804.2, NM_001369805.2); short protein forms A366S, A388S, A443S.
Identifiers: ClinVar variation 3252040 (VCV003252040.5), dbSNP rs2545350189.
Genomic context (GRCh38, chr1:21,577,400, plus strand): 5'-GGCCCCTGGCAGGCTCTCAGCAGGTGTTTCCCCTGGCCCACAGCTCACAACAACTACCAG[G>T]CGCAGTCTGCTGTGCCCCTGCGCCACGAGACCCACGGCGGGGAGGACGTGGCCGTCTTCT-3'
Protein context (NP_000469.3, residues 433-453): MVDYAHNNYQ[Ala443Ser]QSAVPLRHET

ClinVar aggregate classification (germline): Conflicting classifications of pathogenicity. Review status: criteria provided, conflicting classifications (1 of 4 stars). 5 submissions from 5 submitters: Likely pathogenic (4); Uncertain significance (1). Last evaluated 2025-08-29.

Conditions:
Hypophosphatasia. Also called: Phosphoethanol-aminuria. Identifiers: Orphanet 436, MedGen C0020630, MeSH D007014, MONDO:0018570.
Childhood hypophosphatasia. Identifiers: Orphanet 247667, Orphanet 436, MedGen C0220743, MONDO:1010168, OMIM 241510, MONDO:0009428.
Adult hypophosphatasia. Identifiers: Orphanet 247676, Orphanet 436, MedGen C0268413, MONDO:1010154, OMIM 146300, MONDO:0007798.
Infantile hypophosphatasia. Identifiers: Orphanet 247651, Orphanet 436, MedGen C0268412, MONDO:1010169, OMIM 241500, MONDO:0009427.

Submissions (5):

Genomenon, Inc
Classification: Likely pathogenic for Hypophosphatasia. Last evaluated: 2025-08-29. Review status: criteria provided, single submitter. Criteria: Genomenon Sequence Variant Interpretation Standards. Collection method: curation. Allele origin: germline. Affected: yes.
Comment: ALPL p.Ala443Ser (c.1327G>T) is a missense variant that changes the amino acid at residue 443 from Alanine to Serine. This variant has been observed in at least one proband affected with hypophosphatasia (PMID:38884565;33579333). The variant was found to segregate with disease in at least one affected family (PMID:38884565). It is absent or not present at a significant frequency in gnomAD. In conclusion, we classify ALPL p.Ala443Ser (c.1327G>T) as a likely pathogenic variant.

Natera, Inc.
Classification: Likely pathogenic for Hypophosphatasia. Last evaluated: 2024-12-27. Review status: criteria provided, single submitter. Criteria: Natera Variant Classification Schema (03/2026). Collection method: clinical testing. Allele origin: germline.
Comment: The c.1327G>T variant in ALPL is a missense variant predicted to cause substitution of alanine to serine at amino acid 443. This variant is rare in the general population with a frequency below the threshold expected for the associated phenotype(s). This variant has been observed in affected individual(s) with monoallelic occurrence (heterozygous/hemizygous) (PMID: 38884565). A different variant at the same position has been determined to be Pathogenic or Likely Pathogenic. Computational prediction algorithms indicate this variant is likely to affect gene or protein function. Given the available evidence, this variant is classified as Likely Pathogenic.

JKU Lab, Dept of Paediatrics, Johannes Kepler University
Classification: Likely pathogenic for Hypophosphatasia. Last evaluated: 2024-06-11. Review status: criteria provided, single submitter. Criteria: ACMG Guidelines, 2015. Collection method: clinical testing. Allele origin: germline. Affected: yes.
Comment: The variant is absent from GnomAD. The ACMG criteria applied can be looked up in the ALPL gene variant database.

Fulgent Genetics
Classification: Likely pathogenic for Adult hypophosphatasia; Infantile hypophosphatasia; Childhood hypophosphatasia. Last evaluated: 2024-05-24. Review status: criteria provided, single submitter. Criteria: ACMG Guidelines, 2015. Collection method: clinical testing. Allele origin: germline.

Women's Health and Genetics/Laboratory Corporation of America, LabCorp
Classification: Uncertain significance. Last evaluated: 2024-05-23. Review status: criteria provided, single submitter. Criteria: LabCorp Variant Classification Summary - May 2015. Collection method: clinical testing. Allele origin: germline.
Comment: Variant summary: ALPL c.1327G>T (p.Ala443Ser) results in a conservative amino acid change located in the Alk_phosphatase domain (IPR001952) of the encoded protein sequence. Three of five in-silico tools predict a damaging effect of the variant on protein function. The variant was absent in 245870 control chromosomes. c.1327G>T has been reported in the literature in the presumed compound heterozygous state in at least 1 individual affected with autosomal recessive Hypophosphatasia (example, Pierpont_2021). These data do not allow any conclusion about variant significance. A different variant affecting the same codon has been classified as pathogenic by our lab (c.1328C>T, p.Ala443Val), supporting the critical relevance of codon 443 to ALPL protein function. To our knowledge, no experimental evidence demonstrating an impact on protein function has been reported. The following publication have been ascertained in the context of this evaluation (PMID: 33579333). No submitters have cited clinical-significance assessments for this variant to ClinVar. Based on the evidence outlined above, the variant was classified as VUS-possibly pathogenic.

Literature cited by the submitters: PubMed 38884565 (cited by Genomenon, Inc and Natera, Inc.); PubMed 33579333 (cited by 3 submitters).